The following is an entry in ClinVar:

ClinVar aggregate classification (germline): Uncertain significance. Review status: criteria provided, multiple submitters, no conflicts (2 of 4 stars). 3 submissions from 3 submitters: Uncertain significance (3). Last evaluated 2026-01-09.

Conditions:
Developmental delay, hypotonia, musculoskeletal defects, and behavioral abnormalities. Identifiers: MedGen C5562012, MONDO:0859202, OMIM 619595.
Floating-Harbor syndrome (FLHS). Also called: SRCAP-Related Floating-Harbor Syndrome; Short stature with delayed bone age, expressive language delay, a triangular face with a prominent nose and deep-set eyes; Pelletier-Leisti syndrome. Identifiers: Orphanet 2044, MedGen C0729582, MONDO:0007621, OMIM 136140.

gnomAD v4.1: 24 of 1,614,078 alleles (0.0015%); highest among the groups gnomAD compares: South Asian, 0.0099%; no homozygotes.

Submissions (3):

Labcorp Genetics (formerly Invitae), Labcorp
Classification: Uncertain significance. Last evaluated: 2026-01-09. Review status: criteria provided, single submitter. Criteria: Invitae Variant Classification Sherloc (09022015). Collection method: clinical testing. Allele origin: germline.
Comment: This sequence change replaces arginine, which is basic and polar, with histidine, which is basic and polar, at codon 3027 of the SRCAP protein (p.Arg3027His). This variant is present in population databases (rs376725094, gnomAD 0.01%). This variant has not been reported in the literature in individuals affected with SRCAP-related conditions. ClinVar contains an entry for this variant (Variation ID: 3580254). Invitae Evidence Modeling of protein sequence and biophysical properties (such as structural, functional, and spatial information, amino acid conservation, physicochemical variation, residue mobility, and thermodynamic stability) indicates that this missense variant is not expected to disrupt SRCAP protein function with a negative predictive value of 80%. In summary, the available evidence is currently insufficient to determine the role of this variant in disease. Therefore, it has been classified as a Variant of Uncertain Significance.

Women's Health and Genetics/Laboratory Corporation of America, LabCorp
Classification: Uncertain significance. Last evaluated: 2025-10-29. Review status: criteria provided, single submitter. Criteria: LabCorp Variant Classification Summary - May 2015. Collection method: clinical testing. Allele origin: germline.
Comment: Variant summary: SRCAP c.9080G>A (p.Arg3027His) results in a non-conservative amino acid change in the encoded protein sequence. Algorithms developed to predict the effect of missense changes on protein structure and function are either unavailable or do not agree on the potential impact of this missense change. The variant allele was found at a frequency of 3.2e-05 in 251364 control chromosomes. The available data on variant occurrences in the general population are insufficient to allow any conclusion about variant significance. To our knowledge, no occurrence of c.9080G>A in individuals affected with SRCAP-related conditions and no experimental evidence demonstrating its impact on protein function have been reported. ClinVar contains an entry for this variant (Variation ID: 3580254). Based on the evidence outlined above, the variant was classified as uncertain significance.

Fulgent Genetics
Classification: Uncertain significance for Floating-Harbor syndrome; Developmental delay, hypotonia, musculoskeletal defects, and behavioral abnormalities. Last evaluated: 2023-12-29. Review status: criteria provided, single submitter. Criteria: ACMG Guidelines, 2015. Collection method: clinical testing. Allele origin: germline.

NM_006662.3(SRCAP):c.9080G>A (p.Arg3027His)

Gene: SRCAP (Snf2 related CREBBP activator protein; plus strand). Cytogenetic location: 16p11.2.
Variant type: single nucleotide variant.
Coding change: c.9080G>A on transcript NM_006662.3 (MANE Select); coding-DNA position 9080, G replaced by A.
Protein change: p.Arg3027His; replaces arginine 3027 with histidine.
Molecular consequence: missense variant.
Genome position (GRCh38, 1-based): chr16:30,739,120, G>A. VCF-style: chr16-30739120-G-A. GRCh37 (hg19) VCF-style: chr16-30750441-G-A.
Other names: short protein forms R3027H.
Identifiers: ClinVar variation 3580254 (VCV003580254.4).